The following is an entry in ClinVar:

NM_002427.4(MMP13):c.1051+3A>C

Gene: MMP13 (matrix metallopeptidase 13; minus strand). Cytogenetic location: 11q22.2.
Variant type: single nucleotide variant.
Coding change: c.1051+3A>C on transcript NM_002427.4 (MANE Select); 3 bases into the intron after coding-DNA position 1051, A replaced by C.
Molecular consequence: intron variant.
Genome position (GRCh38, 1-based): chr11:102,949,022, T>G on the plus strand (A>C on the coding strand, the complement: MMP13 is on the minus strand). VCF-style: chr11-102949022-T-G. GRCh37 (hg19) VCF-style: chr11-102819751-T-G.
Identifiers: ClinVar variation 2007358 (VCV002007358.4), dbSNP rs782185609, ClinGen allele CA6251815.

ClinVar aggregate classification (germline): Uncertain significance (1 of 4 stars; one submission).

Allele frequency attached by ClinVar (database versions not stated): gnomAD exomes below 0.00001; ExAC 0.00001.
gnomAD v4.1: 5 of 1,613,692 alleles (0.00031%); highest among the groups gnomAD compares: Non-Finnish European, 0.00025%; no homozygotes.

Submission:

Labcorp Genetics (formerly Invitae), Labcorp
Classification: Uncertain significance. Last evaluated: 2022-10-13. Review status: criteria provided, single submitter. Criteria: Invitae Variant Classification Sherloc (09022015). Collection method: clinical testing. Allele origin: germline.
Comment: This variant has not been reported in the literature in individuals affected with MMP13-related conditions. This variant is present in population databases (rs782185609, gnomAD 0.0009%). This sequence change falls in intron 7 of the MMP13 gene. It does not directly change the encoded amino acid sequence of the MMP13 protein. It affects a nucleotide within the consensus splice site. Variants that disrupt the consensus splice site are a relatively common cause of aberrant splicing (PMID: 17576681, 9536098). Algorithms developed to predict the effect of sequence changes on RNA splicing suggest that this variant may create or strengthen a splice site. In summary, the available evidence is currently insufficient to determine the role of this variant in disease. Therefore, it has been classified as a Variant of Uncertain Significance.

Literature cited by the submitters: PubMed 17576681; PubMed 9536098.